The following is an entry in ClinVar:

ClinVar aggregate classification (germline): Uncertain significance (1 of 4 stars; one submission).

Submission:

Dasa
Classification: Uncertain significance. Last evaluated: 2025-11-27. Review status: criteria provided, single submitter. Criteria: DASA Assertion Criteria. Collection method: clinical testing. Allele origin: germline.
Comment: NM_001036.6(RYR3):c.14437_14441del (p.Leu4813Argfs*16) is a frameshift variant in RYR3 predicted to alter the reading frame and introduce a premature termination codon. This variant is rare in population databases. The currently available literature and clinical evidence are not sufficient to establish a definitive association between this variant and the reported condition. Therefore, this variant is classified as a variant of uncertain significance.

NM_001036.6(RYR3):c.14437_14441del (p.Leu4813fs)

Genes: AVEN (apoptosis and caspase activation inhibitor; minus strand), RYR3 (ryanodine receptor 3; plus strand). Cytogenetic location: 15q14.
Variant type: Deletion.
Coding change: c.14437_14441del on transcript NM_001036.6 (MANE Select); coding-DNA positions 14437 to 14441, 5 bases deleted (TTACA; older notation c.14437_14441delTTACA).
Protein change: p.Leu4813fs; shifts the reading frame from leucine 4813.
Molecular consequence: frameshift variant.
Genome position (GRCh38, 1-based): chr15:33,861,150-33,861,154, TTACA deleted; deleting any 5 consecutive bases within chr15:33,861,146-33,861,154 gives the same sequence; the c. name uses the placement nearest the transcript's 3' end. VCF-style (leftmost placement, unchanged base first): chr15-33861145-ATACAT-A. GRCh37 (hg19) VCF-style: chr15-34153346-ATACAT-A.
Other names: c.14422_14426del, p.Leu4808fs (NM_001243996.4); short protein forms L4808fs, L4813fs.
Identifiers: ClinVar variation 4886348 (VCV004886348.2).